The following is an entry in ClinVar:

ClinVar aggregate classification (germline): Pathogenic. Review status: criteria provided, multiple submitters, no conflicts (2 of 4 stars). 3 submissions from 3 submitters: Pathogenic (3). Last evaluated 2025-01-16.

Conditions:
Hereditary cancer-predisposing syndrome. Also called: Neoplastic Syndromes, Hereditary; Hereditary neoplastic syndrome; Tumor predisposition; Hereditary Cancer Syndrome. Identifiers: Orphanet 140162, MedGen C0027672, MeSH D009386, MONDO:0015356.
Multiple endocrine neoplasia, type 1 (MEN1). Also called: MEA I; MEN I; WERMER SYNDROME; Endocrine adenomatosis multiple; MEN 1. Identifiers: Orphanet 652, MedGen C0025267, MeSH D018761, MONDO:0007540, OMIM 131100.

Submissions (3):

Myriad Genetics, Inc.
Classification: Pathogenic for Multiple endocrine neoplasia, type 1. Last evaluated: 2025-01-16. Review status: criteria provided, single submitter. Criteria: Myriad Autosomal Dominant, Autosomal Recessive and X-Linked Classification Criteria (2023). Collection method: clinical testing. Allele origin: unknown.
Comment: This variant is considered pathogenic. This variant creates a frameshift predicted to result in premature protein truncation.

Labcorp Genetics (formerly Invitae), Labcorp
Classification: Pathogenic for Multiple endocrine neoplasia, type 1. Last evaluated: 2023-07-26. Review status: criteria provided, single submitter. Criteria: Invitae Variant Classification Sherloc (09022015). Collection method: clinical testing. Allele origin: germline.
Comment: This variant is not present in population databases (gnomAD no frequency). This sequence change creates a premature translational stop signal (p.Gly401Valfs*44) in the MEN1 gene. While this is not anticipated to result in nonsense mediated decay, it is expected to disrupt the last 210 amino acid(s) of the MEN1 protein. This variant disrupts a region of the MEN1 protein in which other variant(s) (p.Lys559Glufs*38) have been determined to be pathogenic (PMID: 10090472; Invitae). This suggests that this is a clinically significant region of the protein, and that variants that disrupt it are likely to be disease-causing. This variant has not been reported in the literature in individuals affected with MEN1-related conditions. ClinVar contains an entry for this variant (Variation ID: 836644). This variant disrupts the NLS2 domain of the MEN1 protein, which is important for DNA binding and repression of cell proliferation (PMID: 15331604, 16449969). While functional studies have not been performed to directly test the effect of this variant on MEN1 protein function, this suggests that disruption of this region of the protein is causative of disease. For these reasons, this variant has been classified as Pathogenic.

Ambry Genetics
Classification: Pathogenic for Hereditary cancer-predisposing syndrome. Last evaluated: 2015-09-04. Review status: criteria provided, single submitter. Criteria: Ambry Variant Classification Scheme 2023. Collection method: clinical testing. Allele origin: germline.
Comment: The c.1202delG pathogenic mutation, located in coding exon 8 of the MEN1 gene, results from a deletion of one nucleotide at position 1202, causing a translational frameshift with a predicted alternate stop codon. Since frameshifts are typically deleterious in nature, this alteration is interpreted as a disease-causing mutation (ACMG Recommendations for Standards for Interpretation and Reporting of Sequence Variations. Revision 2007. Genet Med. 2008;10:294).

Literature cited by the submitters: PubMed 10090472 (cited by Labcorp Genetics (formerly Invitae), Labcorp); PubMed 15331604 (cited by Labcorp Genetics (formerly Invitae), Labcorp); PubMed 16449969 (cited by Labcorp Genetics (formerly Invitae), Labcorp).

NM_001370259.2(MEN1):c.1202del (p.Gly401fs)

Gene: MEN1 (menin 1; minus strand). Cytogenetic location: 11q13.1.
Variant type: Deletion.
Coding change: c.1202del on transcript NM_001370259.2 (MANE Select); coding-DNA position 1202, one base deleted (G; older notation c.1202delG).
Protein change: p.Gly401fs; shifts the reading frame from glycine 401.
Molecular consequence: frameshift variant.
Genome position (GRCh38, 1-based): chr11:64,805,182, C deleted on the plus strand (G on the coding strand, the reverse complement: MEN1 is on the minus strand); the first of 2 consecutive C bases (chr11:64,805,182-64,805,183); deleting either gives the same sequence. VCF-style (leftmost placement, unchanged base first): chr11-64805181-AC-A. GRCh37 (hg19) VCF-style: chr11-64572653-AC-A.
Other names: c.1202delG (NM_130799.2); c.1217del, p.Gly406fs (NM_000244.4, NM_130800.3, NM_130801.3 and 3 more transcripts); c.1328del, p.Gly443fs (NM_001370251.2); c.1202del, p.Gly401fs (NM_001370260.2, NM_001370261.2, NM_130799.3); c.1097del, p.Gly366fs (NM_001370262.2, NM_001370263.2); short protein forms G366fs, G443fs, G406fs, G401fs.
Identifiers: ClinVar variation 836644 (VCV000836644.12), dbSNP rs1941625647, ClinGen allele CA916081646.